The following is an entry in ClinVar:

ClinVar aggregate classification (germline): Uncertain significance. Review status: criteria provided, multiple submitters, no conflicts (2 of 4 stars). 2 submissions from 2 submitters: Uncertain significance (2). Last evaluated 2022-08-16.

Conditions:
Inborn genetic diseases. Identifiers: MedGen C0950123, MeSH D030342.

Submissions (2):

GeneDx
Classification: Uncertain significance. Last evaluated: 2022-08-16. Review status: criteria provided, single submitter. Criteria: GeneDx Variant Classification Process June 2021. Collection method: clinical testing. Allele origin: germline. Affected: yes.
Comment: Not observed at significant frequency in large population cohorts (gnomAD); In silico analysis supports that this missense variant has a deleterious effect on protein structure/function; Has not been previously published as pathogenic or benign to our knowledge; This variant is associated with the following publications: (PMID: 27864847)

Ambry Genetics
Classification: Uncertain significance for Inborn genetic diseases. Last evaluated: 2017-10-26. Review status: criteria provided, single submitter. Criteria: Ambry Variant Classification Scheme 2023. Collection method: clinical testing. Allele origin: germline.
Comment: The p.S324R variant (also known as c.972C>A), located in coding exon 1 of the KCNA2 gene, results from a C to A substitution at nucleotide position 972. The serine at codon 324 is replaced by arginine, an amino acid with dissimilar properties. This amino acid position is highly conserved in available vertebrate species. In addition, this alteration is predicted to be deleterious by in silico analysis. Since supporting evidence is limited at this time, the clinical significance of this alteration remains unclear.

NM_004974.4(KCNA2):c.972C>A (p.Ser324Arg)

Gene: KCNA2 (potassium voltage-gated channel subfamily A member 2; minus strand). Cytogenetic location: 1p13.3.
Variant type: single nucleotide variant.
Coding change: c.972C>A on transcript NM_004974.4 (MANE Select); coding-DNA position 972, C replaced by A.
Protein change: p.Ser324Arg; replaces serine 324 with arginine.
Molecular consequence: missense variant. On other transcripts: intron variant (1).
Genome position (GRCh38, 1-based): chr1:110,603,811, G>T on the plus strand (C>A on the coding strand, the complement: KCNA2 is on the minus strand). VCF-style: chr1-110603811-G-T. GRCh37 (hg19) VCF-style: chr1-111146433-G-T.
Other names: c.894+78C>A (NM_001204269.2); short protein forms S324R.
Identifiers: ClinVar variation 1767998 (VCV001767998.3), dbSNP rs765820644, ClinGen allele CA341602564.